The following is an entry in ClinVar:

NM_005465.7(AKT3):c.237G>C (p.Trp79Cys)

Gene: AKT3 (AKT serine/threonine kinase 3; minus strand). Cytogenetic location: 1q44.
Variant type: single nucleotide variant.
Coding change: c.237G>C on transcript NM_005465.7 (MANE Select); coding-DNA position 237, G replaced by C.
Protein change: p.Trp79Cys; replaces tryptophan 79 with cysteine.
Molecular consequence: missense variant.
Genome position (GRCh38, 1-based): chr1:243,664,819, C>G on the plus strand (G>C on the coding strand, the complement: AKT3 is on the minus strand). VCF-style: chr1-243664819-C-G. GRCh37 (hg19) VCF-style: chr1-243828121-C-G.
Other names: c.237G>C, p.Trp79Cys (NM_001206729.2, NM_001370074.1, NM_181690.2); short protein forms W79C.
Identifiers: ClinVar variation 1299320 (VCV001299320.1), dbSNP rs2147921624, ClinGen allele CA345669259.

ClinVar aggregate classification (germline): Likely pathogenic (1 of 4 stars; one submission).

Conditions:
Megalencephaly-polymicrogyria-polydactyly-hydrocephalus syndrome 2 (MPPH2). Also called: MEGALENCEPHALY-POLYMICROGYRIA-POLYDACTYLY-HYDROCEPHALUS SYNDROME 2, SOMATIC. Identifiers: Orphanet 83473, MedGen C4014738, MONDO:0014407, OMIM 615937.

Submission:

Institute of Human Genetics, University of Leipzig Medical Center
Classification: Likely pathogenic for Megalencephaly-polymicrogyria-polydactyly-hydrocephalus syndrome 2. Last evaluated: 2021-09-20. Review status: criteria provided, single submitter. Criteria: ACMG Guidelines, 2015. Collection method: clinical testing. Allele origin: de novo. Affected: yes.
Comment: This variant was identified as de novo (maternity and paternity confirmed).